The following is an entry in ClinVar:

NM_001009944.3(PKD1):c.224C>A (p.Ser75Tyr)

Gene: PKD1 (polycystin 1, transient receptor potential channel interacting; minus strand). Cytogenetic location: 16p13.3.
Variant type: single nucleotide variant.
Coding change: c.224C>A on transcript NM_001009944.3 (MANE Select); coding-DNA position 224, C replaced by A.
Protein change: p.Ser75Tyr; replaces serine 75 with tyrosine.
Molecular consequence: missense variant.
Genome position (GRCh38, 1-based): chr16:2,119,370, G>T on the plus strand (C>A on the coding strand, the complement: PKD1 is on the minus strand). VCF-style: chr16-2119370-G-T. GRCh37 (hg19) VCF-style: chr16-2169371-G-T.
Other names: c.224C>A, p.Ser75Tyr (NM_000296.4); short protein forms S75Y.
Identifiers: ClinVar variation 3254855 (VCV003254855.1), dbSNP rs2544886187.

ClinVar aggregate classification (germline): Uncertain significance (1 of 4 stars; one submission).

Conditions:
Polycystic kidney disease, adult type (PKD1). Also called: Polycystic Kidney Disease 1, Autosomal Dominant; Polycystic kidney disease 1; Polycystic kidney disease 1, severe; POLYCYSTIC KIDNEY DISEASE 1 WITH OR WITHOUT POLYCYSTIC LIVER DISEASE; POLYCYSTIC KIDNEY DISEASE, ADULT, TYPE I; Polycystic Kidney, Autosomal Dominant. Identifiers: MedGen C3149841, MONDO:0008263, OMIM 173900.

Submission:

Victorian Clinical Genetics Services, Murdoch Childrens Research Institute
Classification: Uncertain significance for Polycystic kidney disease, adult type. Last evaluated: 2023-07-16. Review status: criteria provided, single submitter. Criteria: ACMG Guidelines, 2015. Collection method: clinical testing. Allele origin: germline. Inheritance: Autosomal dominant inheritance. Affected: yes.
Comment: Based on the classification scheme VCGS_Germline_v1.3.4, this variant is classified as VUS-3A. Following criteria are met: 0102 - Loss of function is a known mechanism of disease in this gene and is associated with polycystic kidney disease 1 (MIM#173900). (I) 0107 - This gene is associated with autosomal dominant disease. Polycystic kidney disease 1 (MIM#173900) is predominantly caused by monoallelic variants, with rare reports of biallelic variants causing disease (OMIM). (I) 0200 - Variant is predicted to result in a missense amino acid change from serine to tyrosine. (I) 0251 - This variant is heterozygous. (I) 0301 - Variant is absent from gnomAD (both v2 and v3). (SP) 0502 - Missense variant with conflicting in silico predictions and uninformative conservation. (I) 0600 - Variant is located in the annotated leucine rich repeat domain. (I) 0703 - Another missense variant comparable to the one identified in this case has moderate previous evidence for pathogenicity. p.(Ser75Phe) has been observed in three families with polycystic kidney disease in the literature (LOVD, PMIDs: 11115377, 27499327, 31740684). (SP) 0807 - This variant has no previous evidence of pathogenicity. (I) 0905 - No published segregation evidence has been identified for this variant. (I) 1007 - No published functional evidence has been identified for this variant. (I) 1208 - Inheritance information for this variant is not currently available in this individual. (I) Legend: (SP) - Supporting pathogenic, (I) - Information, (SB) - Supporting benign

Literature cited by the submitters: PubMed 11115377; PubMed 27499327; PubMed 31740684.